The following is an entry in ClinVar:

ClinVar aggregate classification (germline): Conflicting classifications of pathogenicity. Review status: criteria provided, conflicting classifications (1 of 4 stars). 11 submissions from 11 submitters: Uncertain significance (1); Benign (6); Likely benign (4). Last evaluated 2026-09-01.

Conditions:
Inborn genetic diseases. Identifiers: MedGen C0950123, MeSH D030342.
Dihydropyrimidine dehydrogenase deficiency (DPYDD). Also called: DPD DEFICIENCY; DPYD DEFICIENCY; Hereditary Thymine-Uraciluria. Identifiers: Orphanet 1675, MedGen C1959620, MONDO:0010130, OMIM 274270.

Allele frequency attached by ClinVar (database versions not stated): 1000 Genomes Project 30x 0.00422; 1000 Genomes Project 0.00439; TOPMed 0.00511; gnomAD 0.00513 and 0.00517; ESP Exome Variant Server 0.00533; gnomAD exomes 0.00620 and 0.00682; ExAC 0.01022.
gnomAD v4.1: 10,403 of 1,564,148 alleles (0.67%); highest among the groups gnomAD compares: Non-Finnish European, 0.72%; 45 homozygotes.

Submissions (11):

CeGaT Center for Human Genetics Tuebingen
Classification: Likely benign. Last evaluated: 2026-09-01. Review status: criteria provided, single submitter. Criteria: CeGaT Center For Human Genetics Tuebingen Variant Classification Criteria Version 2. Collection method: clinical testing. Allele origin: germline. Affected: yes. Observed: 14 variant alleles.
Comment: DPYD: BS2

ARUP Laboratories, Molecular Genetics and Genomics, ARUP Laboratories
Classification: Benign. Last evaluated: 2025-07-01. Review status: criteria provided, single submitter. Criteria: ARUP Molecular Germline Variant Investigation Process 2024. Collection method: clinical testing. Allele origin: germline.

Blueprint Genetics
Classification: Likely benign. Last evaluated: 2024-11-24. Review status: criteria provided, single submitter. Criteria: ACMG Guidelines, 2015. Collection method: clinical testing. Allele origin: germline.

Women's Health and Genetics/Laboratory Corporation of America, LabCorp
Classification: Benign. Last evaluated: 2022-06-21. Review status: criteria provided, single submitter. Criteria: LabCorp Variant Classification Summary - May 2015. Collection method: clinical testing. Allele origin: germline.
Comment: Variant summary: DPYD c.775A>G (p.Lys259Glu) results in a conservative amino acid change located in the FAD/NAD(P)-binding domain of the encoded protein sequence. Three of five in-silico tools predict a damaging effect of the variant on protein function. The variant allele was found at a frequency of 0.0061 in 251782 control chromosomes in the gnomAD database, including 12 homozygotes. The observed variant frequency is approximately 2.5 fold of the estimated maximal expected allele frequency for a pathogenic variant in DPYD causing Dihydropyrimidine Dehydrogenase Deficiency phenotype (0.0025), strongly suggesting that the variant is benign. c.775A>G has been reported in the literature in individuals affected with 5-FU-related toxicity (example Gross_2003, Schwab_2008, Harismendy_2013, Garcia-Gonzalez_2020). One of these studies described that DPYD enzyme activity measured in the cytosolic fraction of PBMCs from a heterozygous patient was in the normal range (Gross_2003). These reports do not provide unequivocal conclusions about association of the variant with Dihydropyrimidine Dehydrogenase Deficiency. At least one publication reports evaluating the impact of the variant on protein function in an in vitro expression system and found no damaging effect on enzymatic activity (Offer_2014). Five clinical diagnostic laboratories have submitted clinical-significance assessments for this variant to ClinVar after 2014 without evidence for independent evaluation. Three laboratories classified the variant as benign, one as likely benign, and one as VUS. Based on the evidence outlined above, the variant was classified as benign.

GeneDx
Classification: Benign. Last evaluated: 2020-11-20. Review status: criteria provided, single submitter. Criteria: GeneDx Variant Classification Process June 2021. Collection method: clinical testing. Allele origin: germline. Affected: yes.
Comment: In silico analysis supports that this missense variant has a deleterious effect on protein structure/function; This variant is associated with the following publications: (PMID: 22935545, 14635116, 19473056, 24648345)

Mendelics
Classification: Benign for Dihydropyrimidine dehydrogenase deficiency. Last evaluated: 2019-05-28. Review status: criteria provided, single submitter. Criteria: Mendelics Assertion Criteria 2017. Collection method: clinical testing. Allele origin: unknown.

Ambry Genetics
Classification: Likely benign for Inborn genetic diseases. Last evaluated: 2018-03-16. Review status: criteria provided, single submitter. Criteria: Ambry Variant Classification Scheme 2023. Collection method: clinical testing. Allele origin: germline.

Illumina Laboratory Services, Illumina
Classification: Uncertain significance for Dihydropyrimidine dehydrogenase deficiency. Last evaluated: 2017-04-27. Review status: criteria provided, single submitter. Criteria: ICSL Variant Classification Criteria 13 December 2019. Collection method: clinical testing. Allele origin: germline.
Comment: This variant was observed as part of a predisposition screen in an ostensibly healthy population. A literature search was performed for the gene, cDNA change, and amino acid change (where applicable). Publications were found based on this search. However, the evidence from the literature, in combination with allele frequency data from public databases where available, was not sufficient to rule this variant in or out of causing disease. Therefore, this variant is classified as a variant of unknown significance.

Eurofins Ntd Llc (ga)
Classification: Benign. Last evaluated: 2016-11-09. Review status: criteria provided, single submitter. Criteria: EGL Classification Definitions 2015. Collection method: clinical testing. Allele origin: germline. Observed: 4 variant alleles, 4 heterozygotes.

Center for Pediatric Genomic Medicine, Children's Mercy Hospital and Clinics
Classification: Likely benign. Last evaluated: 2016-04-21. Review status: criteria provided, single submitter. Criteria: ACMG Guidelines, 2015. Collection method: clinical testing. Allele origin: germline.
ClinVar note: Converted during submission from Likely Benign to Likely benign.

PreventionGenetics, part of Exact Sciences
Classification: Benign. Review status: criteria provided, single submitter. Criteria: ACMG Guidelines, 2015. Collection method: clinical testing. Allele origin: germline.

Literature cited by the submitters: PubMed 24326041 (cited by Women's Health and Genetics/Laboratory Corporation of America, LabCorp); PubMed 14635116 (cited by 3 submitters); PubMed 24648345 (cited by Women's Health and Genetics/Laboratory Corporation of America, LabCorp and Ambry Genetics); PubMed 18299612 (cited by Women's Health and Genetics/Laboratory Corporation of America, LabCorp); PubMed 32529295 (cited by Women's Health and Genetics/Laboratory Corporation of America, LabCorp); PubMed 19473056 (cited by Ambry Genetics); PubMed 19288105 (cited by Illumina Laboratory Services, Illumina).

NM_000110.4(DPYD):c.775A>G (p.Lys259Glu)

Gene: DPYD (dihydropyrimidine dehydrogenase; minus strand). Cytogenetic location: 1p21.3.
Variant type: single nucleotide variant.
Coding change: c.775A>G on transcript NM_000110.4 (MANE Select); coding-DNA position 775, A replaced by G.
Protein change: p.Lys259Glu; replaces lysine 259 with glutamic acid.
Molecular consequence: missense variant.
Genome position (GRCh38, 1-based): chr1:97,679,170, T>C on the plus strand (A>G on the coding strand, the complement: DPYD is on the minus strand). VCF-style: chr1-97679170-T-C. GRCh37 (hg19) VCF-style: chr1-98144726-T-C.
Other names: short protein forms K259E.
Identifiers: ClinVar variation 235464 (VCV000235464.46), dbSNP rs45589337, ClinGen allele CA963550.
Genomic context (GRCh38, chr1:97,679,170, plus strand): 5'-CAGCTTTGTAGCCTTTTTCTTTCAAAGTGCTAAGAGTCATTTCATTCACTGAAAGGCTTT[T>C]ACCGCAAATTATCTATAAGAAACAATATTTTGCATAAGAAAATTTGGCATATGATTAATT-3'
Protein context (NP_000101.2, residues 249-269): KDLGVKIICG[Lys259Glu]SLSVNEMTLS